The following is an entry in ClinVar:

ClinVar aggregate classification (germline): Uncertain significance (1 of 4 stars; one submission).

Allele frequency attached by ClinVar (database versions not stated): gnomAD 0.00001.
gnomAD v4.1: 7 of 1,546,062 alleles (0.00045%); highest among the groups gnomAD compares: African/African-American, 0.0096%; no homozygotes.

Submission:

Mayo Clinic Laboratories, Mayo Clinic
Classification: Uncertain significance. Last evaluated: 2022-09-29. Review status: criteria provided, single submitter. Criteria: ACMG Guidelines, 2015. Collection method: clinical testing. Allele origin: germline. Observed: 1 variant allele.
Comment: BP4, PM2

NM_001142864.4(PIEZO1):c.4315T>C (p.Ser1439Pro)

Gene: PIEZO1 (piezo type mechanosensitive ion channel component 1 (Er blood group); minus strand). Cytogenetic location: 16q24.3.
Variant type: single nucleotide variant.
Coding change: c.4315T>C on transcript NM_001142864.4 (MANE Select); coding-DNA position 4315, T replaced by C.
Protein change: p.Ser1439Pro; replaces serine 1439 with proline.
Molecular consequence: missense variant.
Genome position (GRCh38, 1-based): chr16:88,723,891, A>G on the plus strand (T>C on the coding strand, the complement: PIEZO1 is on the minus strand). VCF-style: chr16-88723891-A-G. GRCh37 (hg19) VCF-style: chr16-88790299-A-G.
Other names: p.Ser1439Pro; c.2857T>C, p.Ser953Pro (NM_014745.1); short protein forms S1439P, S953P.
Identifiers: ClinVar variation 2683391 (VCV002683391.1), dbSNP rs1904303844, ClinGen allele CA397098454.